The following is an entry in ClinVar:

ClinVar aggregate classification (germline): Pathogenic. Review status: criteria provided, multiple submitters, no conflicts (2 of 4 stars). 3 submissions from 3 submitters: Pathogenic (2). 1 of the submissions does not count toward it. Last evaluated 2022-12-17.

Conditions:
Hereditary cancer-predisposing syndrome. Also called: Neoplastic Syndromes, Hereditary; Tumor predisposition; Hereditary Cancer Syndrome; Hereditary neoplastic syndrome. Identifiers: Orphanet 140162, MedGen C0027672, MeSH D009386, MONDO:0015356.
Tuberous sclerosis syndrome (TSC). Also called: Tuberous Sclerosis Complex; Tuberous sclerosis. Identifiers: Orphanet 805, MedGen C0041341, MONDO:0001734.
Tuberous sclerosis 2 (TSC2). Identifiers: Orphanet 805, MedGen C1860707, MONDO:0013199, OMIM 613254.

Submissions (3):

Labcorp Genetics (formerly Invitae), Labcorp
Classification: Pathogenic for Tuberous sclerosis 2. Last evaluated: 2022-12-17. Review status: criteria provided, single submitter. Criteria: Invitae Variant Classification Sherloc (09022015). Collection method: clinical testing. Allele origin: germline.
Comment: For these reasons, this variant has been classified as Pathogenic. ClinVar contains an entry for this variant (Variation ID: 50156). This premature translational stop signal has been observed in individual(s) with tuberous sclerosis complex (PMID: 10205261). This variant is not present in population databases (gnomAD no frequency). This sequence change creates a premature translational stop signal (p.Tyr790*) in the TSC2 gene. It is expected to result in an absent or disrupted protein product. Loss-of-function variants in TSC2 are known to be pathogenic (PMID: 10205261, 17304050).

Ambry Genetics
Classification: Pathogenic for Hereditary cancer-predisposing syndrome. Last evaluated: 2017-06-30. Review status: criteria provided, single submitter. Criteria: Ambry Variant Classification Scheme 2023. Collection method: clinical testing. Allele origin: germline.
Comment: The p.Y790* pathogenic mutation (also known as c.2370C>G), located in coding exon 21 of the TSC2 gene, results from a C to G substitution at nucleotide position 2370. This changes the amino acid from a tyrosine to a stop codon within coding exon 21. This alteration has been detected in a cohort of patients reported to have tuberous sclerosis (Jones AC et al. Am J Hum Genet. 1999;64:1305-15). In addition to the clinical data presented in the literature, this alteration is expected to result in loss of function by premature protein truncation or nonsense-mediated mRNA decay. As such, this alteration is interpreted as a disease-causing mutation.

Tuberous sclerosis database (TSC2)
No classification provided. Condition: TSC. Review status: no classification provided. Criteria: Tuberous Sclerosis Database Assertion Criteria 2015. Collection method: curation. Allele origin: germline. Affected: yes. Not counted in ClinVar's aggregate classification.

Literature cited by the submitters: PubMed 10205261 (cited by Labcorp Genetics (formerly Invitae), Labcorp and Ambry Genetics); PubMed 17304050 (cited by Labcorp Genetics (formerly Invitae), Labcorp).

NM_000548.5(TSC2):c.2370C>G (p.Tyr790Ter)

Gene: TSC2 (TSC complex subunit 2; plus strand). Cytogenetic location: 16p13.3.
Variant type: single nucleotide variant.
Coding change: c.2370C>G on transcript NM_000548.5 (MANE Select); coding-DNA position 2370, C replaced by G.
Protein change: p.Tyr790Ter; replaces tyrosine 790 with a stop codon.
Molecular consequence: nonsense.
Genome position (GRCh38, 1-based): chr16:2,074,214, C>G. VCF-style: chr16-2074214-C-G. GRCh37 (hg19) VCF-style: chr16-2124215-C-G.
Other names: c.2370C>G, p.Tyr790Ter (NM_001077183.3, NM_001114382.3, NM_001363528.2 and 3 more transcripts); c.2259C>G, p.Tyr753Ter (NM_001318827.2); c.2223C>G, p.Tyr741Ter (NM_001318829.2); c.1770C>G, p.Tyr590Ter (NM_001318831.2); c.2403C>G, p.Tyr801Ter (NM_001318832.2); short protein forms Y790*, Y590*, Y801*, Y753*, Y741*.
Identifiers: ClinVar variation 50156 (VCV000050156.10), dbSNP rs45517232, ClinGen allele CA017308.